The following is an entry in ClinVar:

NM_021930.6(RINT1):c.37G>T (p.Ala13Ser)

Gene: RINT1 (RAD50 interactor 1; plus strand). Cytogenetic location: 7q22.3.
Variant type: single nucleotide variant.
Coding change: c.37G>T on transcript NM_021930.6 (MANE Select); coding-DNA position 37, G replaced by T.
Protein change: p.Ala13Ser; replaces alanine 13 with serine.
Molecular consequence: missense variant. On other transcripts: 5 prime UTR variant (4), non-coding transcript variant (1).
Genome position (GRCh38, 1-based): chr7:105,532,352, G>T. VCF-style: chr7-105532352-G-T. GRCh37 (hg19) VCF-style: chr7-105172799-G-T.
Other names: c.-61G>T (NM_001346599.2); c.-983G>T (NM_001346600.2); c.-886G>T (NM_001346601.2); c.-506G>T (NM_001346603.2); short protein forms A13S.
Identifiers: ClinVar variation 1735053 (VCV001735053.2), dbSNP rs1241302881, ClinGen allele CA368799057.

ClinVar aggregate classification (germline): Uncertain significance (1 of 4 stars; one submission).

Submission:

Ambry Genetics
Classification: Uncertain significance. Last evaluated: 2022-09-28. Review status: criteria provided, single submitter. Criteria: Ambry Variant Classification Scheme 2023. Collection method: clinical testing. Allele origin: germline.
Comment: The p.A13S variant (also known as c.37G>T), located in coding exon 1 of the RINT1 gene, results from a G to T substitution at nucleotide position 37. The alanine at codon 13 is replaced by serine, an amino acid with similar properties. This amino acid position is conserved. In addition, this alteration is predicted to be tolerated by in silico analysis. Since supporting evidence is limited at this time, the clinical significance of this alteration remains unclear.